The following is an entry in ClinVar:

ClinVar aggregate classification (germline): Likely pathogenic (1 of 4 stars; one submission).

Submission:

Mayo Clinic Laboratories, Mayo Clinic
Classification: Likely pathogenic. Last evaluated: 2023-05-05. Review status: criteria provided, single submitter. Criteria: ACMG Guidelines, 2015. Collection method: clinical testing. Allele origin: germline. Observed: 1 variant allele.
Comment: PM2, PVS1

NM_001355436.2(SPTB):c.4615C>T (p.Gln1539Ter)

Gene: SPTB (spectrin beta, erythrocytic; minus strand). Cytogenetic location: 14q23.3.
Variant type: single nucleotide variant.
Coding change: c.4615C>T on transcript NM_001355436.2 (MANE Select); coding-DNA position 4615, C replaced by T.
Protein change: p.Gln1539Ter; replaces glutamine 1539 with a stop codon.
Molecular consequence: nonsense.
Genome position (GRCh38, 1-based): chr14:64,775,352, G>A on the plus strand (C>T on the coding strand, the complement: SPTB is on the minus strand). VCF-style: chr14-64775352-G-A. GRCh37 (hg19) VCF-style: chr14-65242070-G-A.
Other names: p.Gln1539*; c.4615C>T, p.Gln1539Ter (NM_001024858.4, NM_001355437.2); short protein forms Q1539*.
Identifiers: ClinVar variation 2683468 (VCV002683468.1), dbSNP rs2503071678, ClinGen allele CA390043870.